The following is an entry in ClinVar:

ClinVar aggregate classification (germline): Uncertain significance. Review status: criteria provided, multiple submitters, no conflicts (2 of 4 stars). 2 submissions from 2 submitters: Uncertain significance (2). Last evaluated 2025-05-21.

Conditions:
Epidermolysis bullosa simplex 5B, with muscular dystrophy (EBS5B). Also called: EPIDERMOLYSIS BULLOSA SIMPLEX AND LIMB-GIRDLE MUSCULAR DYSTROPHY; Epidermolysis bullosa simplex with muscular dystrophy. Identifiers: Orphanet 257, MedGen C2931072, MONDO:0009181, OMIM 226670.
Epidermolysis bullosa simplex with nail dystrophy (EBS5D). Identifiers: MedGen C4225309, MONDO:0014661, OMIM 616487.
Epidermolysis bullosa simplex, Ogna type (EBS5A). Also called: Pidermolysis bullosa simplex 5A, Ogna type; EPIDERMOLYSIS BULLOSA SIMPLEX 5A, OGNA TYPE. Identifiers: Orphanet 79401, MedGen C0432317, MONDO:0007555, OMIM 131950.
Epidermolysis bullosa simplex 5C, with pyloric atresia (EBS5C). Also called: PLEC-Related Epidermolysis Bullosa with Pyloric Atresia; Epidermolysis bullosa simplex with pyloric atresia; PLEC1-Related Epidermolysis Bullosa with Pyloric Atresia. Identifiers: Orphanet 158684, MedGen C2677349, MONDO:0012807, OMIM 612138.
Autosomal recessive limb-girdle muscular dystrophy type 2Q (LGMDR17). Also called: MUSCULAR DYSTROPHY, LIMB-GIRDLE, AUTOSOMAL RECESSIVE 17. Identifiers: Orphanet 254361, MedGen C3150989, MONDO:0013390, OMIM 613723.

Allele frequency attached by ClinVar (database versions not stated): gnomAD 0.00001; TOPMed 0.00002; gnomAD exomes 0.00003; ExAC 0.00004.
gnomAD v4.1: 47 of 1,581,380 alleles (0.003%); highest among the groups gnomAD compares: South Asian, 0.016%; no homozygotes.

Submissions (2):

Revvity Omics, Revvity
Classification: Uncertain significance. Last evaluated: 2025-05-21. Review status: criteria provided, single submitter. Criteria: ACMG Guidelines, 2015. Collection method: clinical testing. Allele origin: germline.

Labcorp Genetics (formerly Invitae), Labcorp
Classification: Uncertain significance for Autosomal recessive limb-girdle muscular dystrophy type 2Q; Epidermolysis bullosa simplex, Ogna type; Epidermolysis bullosa simplex with nail dystrophy; Epidermolysis bullosa simplex 5C, with pyloric atresia; Epidermolysis bullosa simplex 5B, with muscular dystrophy. Last evaluated: 2024-03-16. Review status: criteria provided, single submitter. Criteria: Invitae Variant Classification Sherloc (09022015). Collection method: clinical testing. Allele origin: germline.
Comment: This sequence change replaces arginine, which is basic and polar, with glutamine, which is neutral and polar, at codon 1193 of the PLEC protein (p.Arg1193Gln). This variant is present in population databases (rs782578320, gnomAD 0.02%). This variant has not been reported in the literature in individuals affected with PLEC-related conditions. ClinVar contains an entry for this variant (Variation ID: 1521378). Algorithms developed to predict the effect of missense changes on protein structure and function output the following: SIFT: "Not Available"; PolyPhen-2: "Not Available"; Align-GVGD: "Not Available". The glutamine amino acid residue is found in multiple mammalian species, which suggests that this missense change does not adversely affect protein function. In summary, the available evidence is currently insufficient to determine the role of this variant in disease. Therefore, it has been classified as a Variant of Uncertain Significance.

NM_201384.3(PLEC):c.3497G>A (p.Arg1166Gln)

Gene: PLEC (plectin; minus strand). Cytogenetic location: 8q24.3.
Variant type: single nucleotide variant.
Coding change: c.3497G>A on transcript NM_201384.3 (MANE Select); coding-DNA position 3497, G replaced by A.
Protein change: p.Arg1166Gln; replaces arginine 1166 with glutamine.
Molecular consequence: missense variant.
Genome position (GRCh38, 1-based): chr8:143,927,669, C>T on the plus strand (G>A on the coding strand, the complement: PLEC is on the minus strand). VCF-style: chr8-143927669-C-T. GRCh37 (hg19) VCF-style: chr8-145001837-C-T.
Other names: c.3578G>A, p.Arg1193Gln (NM_000445.5); c.3455G>A, p.Arg1152Gln (NM_201378.4); c.3431G>A, p.Arg1144Gln (NM_201379.3); c.3908G>A, p.Arg1303Gln (NM_201380.4); c.3401G>A, p.Arg1134Gln (NM_201381.3); c.3497G>A, p.Arg1166Gln (NM_201382.4); c.3509G>A, p.Arg1170Gln (NM_201383.3); short protein forms R1152Q, R1166Q, R1170Q, R1134Q, R1144Q, R1303Q, R1193Q.
Identifiers: ClinVar variation 1521378 (VCV001521378.9), dbSNP rs782578320, ClinGen allele CA4927041.